The following is an entry in ClinVar:

NM_002303.6(LEPR):c.209C>G (p.Pro70Arg)

Gene: LEPR (leptin receptor; plus strand). Cytogenetic location: 1p31.3.
Variant type: single nucleotide variant.
Coding change: c.209C>G on transcript NM_002303.6 (MANE Select); coding-DNA position 209, C replaced by G.
Protein change: p.Pro70Arg; replaces proline 70 with arginine.
Molecular consequence: missense variant.
Genome position (GRCh38, 1-based): chr1:65,570,641, C>G. VCF-style: chr1-65570641-C-G. GRCh37 (hg19) VCF-style: chr1-66036324-C-G.
Other names: c.209C>G, p.Pro70Arg (NM_001003679.3, NM_001003680.3, NM_001198687.2 and 2 more transcripts); short protein forms P70R.
Identifiers: ClinVar variation 4984525 (VCV004984525.1).

ClinVar aggregate classification (germline): Uncertain significance (1 of 4 stars; one submission).

Conditions:
LEPR-related disorder. Also called: LEPR-related disorders; LEPR-related condition.

gnomAD v4.1: 8 of 1,613,934 alleles (0.0005%); highest among the groups gnomAD compares: Non-Finnish European, 0.00059%; no homozygotes.

Submission:

PreventionGenetics, part of Exact Sciences
Classification: Uncertain significance for LEPR-related condition. Last evaluated: 2024-11-08. Review status: criteria provided, single submitter. Criteria: ACMG Guidelines, 2015. Collection method: clinical testing. Allele origin: germline.
Comment: The LEPR c.209C>G variant is predicted to result in the amino acid substitution p.Pro70Arg. To our knowledge, this variant has not been reported in the literature or in a large population database (gnomAD), indicating this variant is rare. At this time, the clinical significance of this variant is uncertain due to the absence of conclusive functional and genetic evidence.